The following is an entry in ClinVar:

NM_170707.4(LMNA):c.357-1G>T

Genes: LMNA (lamin A/C; plus strand), LOC126805877 (MED14-independent group 3 enhancer GRCh37_chr1:156099693-156100892; plus strand). Cytogenetic location: 1q22.
Variant type: single nucleotide variant.
Coding change: c.357-1G>T on transcript NM_170707.4 (MANE Select); the canonical splice acceptor site of the intron before coding-DNA position 357, G replaced by T.
Molecular consequence: splice acceptor variant. On other transcripts: intron variant (4).
Genome position (GRCh38, 1-based): chr1:156,130,616, G>T. VCF-style: chr1-156130616-G-T. GRCh37 (hg19) VCF-style: chr1-156100407-G-T.
Other names: c.-308-1G>T (NM_001406999.1, NM_001407000.1, NM_001406994.1); c.114-1G>T (NM_001406986.1, NM_001406987.1, NM_001282624.2); c.357-1G>T (NM_001406985.1, NM_001282626.2, NM_170708.4 and 6 more transcripts); c.-151-3787G>T (NM_001407001.1); c.-45-3787G>T (NM_001406995.1, NM_001406990.1, NM_001407002.1); c.-202-1G>T (NM_001406996.1, NM_001406997.1, NM_001406993.1 and 1 more transcripts); c.21-1G>T (NM_001406989.1, NM_001257374.3, NM_001406998.1); c.60-1G>T (NM_001406988.1).
Identifiers: ClinVar variation 66893 (VCV000066893.8), dbSNP rs267607569, ClinGen allele CA017975.

ClinVar aggregate classification (germline): Pathogenic. Review status: criteria provided, single submitter (1 of 4 stars). 2 submissions from 2 submitters: Pathogenic (1). 1 of the submissions does not count toward it. Last evaluated 2024-02-11.

Conditions:
Charcot-Marie-Tooth disease type 2. Also called: Charcot-Marie-Tooth type 2. Identifiers: Orphanet 64746, MedGen C0270914, MONDO:0018993.

Submissions (2):

Labcorp Genetics (formerly Invitae), Labcorp
Classification: Pathogenic for Charcot-Marie-Tooth disease type 2. Last evaluated: 2024-02-11. Review status: criteria provided, single submitter. Criteria: Invitae Variant Classification Sherloc (09022015). Collection method: clinical testing. Allele origin: germline.
Comment: This sequence change affects an acceptor splice site in intron 1 of the LMNA gene. RNA analysis indicates that disruption of this splice site induces altered splicing and may result in an absent or disrupted protein product. This variant is not present in population databases (gnomAD no frequency). Disruption of this splice site has been observed in individuals with dilated cardiomyopathy (PMID: 18585512, 27182706). It has also been observed to segregate with disease in related individuals. ClinVar contains an entry for this variant (Variation ID: 66893). Studies have shown that disruption of this splice site results in skipping of exon 2 and introduces a premature termination codon (PMID: 18585512). The resulting mRNA is expected to undergo nonsense-mediated decay. For these reasons, this variant has been classified as Pathogenic.

Epithelial Biology;  Institute of Medical Biology, Singapore
No classification provided. Review status: no classification provided. Collection method: not provided. Allele origin: not provided. Not counted in ClinVar's aggregate classification.

Literature cited by the submitters: PubMed 18585512 (cited by Labcorp Genetics (formerly Invitae), Labcorp); PubMed 27182706 (cited by Labcorp Genetics (formerly Invitae), Labcorp).